The following is an entry in ClinVar:

NM_181783.4(TMTC3):c.2616_2619del (p.Lys872fs)

Gene: TMTC3 (transmembrane O-mannosyltransferase targeting cadherins 3; plus strand). Cytogenetic location: 12q21.32.
Variant type: Microsatellite.
Coding change: c.2616_2619del on transcript NM_181783.4 (MANE Select); coding-DNA positions 2616 to 2619, 4 bases deleted (ACAA; older notation c.2616_2619delACAA).
Protein change: p.Lys872fs; shifts the reading frame from lysine 872.
Molecular consequence: frameshift variant. On other transcripts: non-coding transcript variant (1).
Genome position (GRCh38, 1-based): chr12:88,195,520-88,195,523, ACAA deleted; deleting any 4 consecutive bases within chr12:88,195,515-88,195,523 gives the same sequence; the c. name uses the placement nearest the transcript's 3' end. VCF-style (leftmost placement, unchanged base first): chr12-88195514-CAACA-C. GRCh37 (hg19) VCF-style: chr12-88589291-CAACA-C.
Other names: c.2436_2439del, p.Lys812fs (NM_001366574.1); c.2397_2400del, p.Lys799fs (NM_001366579.1); c.2349_2352del, p.Lys783fs (NM_001366580.1); c.1923_1926del, p.Lys641fs (NM_001366583.1); short protein forms K641fs, K872fs, K799fs, K812fs, K783fs.
Identifiers: ClinVar variation 4776947 (VCV004776947.1).

ClinVar aggregate classification (germline): Likely pathogenic (1 of 4 stars; one submission).

Submission:

Labcorp Genetics (formerly Invitae), Labcorp
Classification: Likely pathogenic. Last evaluated: 2025-02-23. Review status: criteria provided, single submitter. Criteria: Invitae Variant Classification Sherloc (09022015). Collection method: clinical testing. Allele origin: germline.
Comment: This sequence change creates a premature translational stop signal (p.Lys872Asnfs*2) in the TMTC3 gene. While this is not anticipated to result in nonsense mediated decay, it is expected to disrupt the last 43 amino acid(s) of the TMTC3 protein. This variant is not present in population databases (gnomAD no frequency). This premature translational stop signal has been observed in individual(s) with cortical malformations (Internal data). In at least one individual the data is consistent with being in trans (on the opposite chromosome) from a pathogenic variant. Experimental studies and prediction algorithms are not available or were not evaluated, and the functional significance of this variant is currently unknown. This variant disrupts a region of the TMTC3 protein in which other variant(s) (p.Gln873*) have been observed in individuals with TMTC3-related conditions (PMID: 27773428). This suggests that this is a clinically significant region of the protein, and that variants that disrupt it are likely to be disease-causing. In summary, the currently available evidence indicates that the variant is pathogenic, but additional data are needed to prove that conclusively. Therefore, this variant has been classified as Likely Pathogenic.

Literature cited by the submitters: PubMed 27773428.